The following is an entry in ClinVar:

NM_000432.4(MYL2):c.43T>C (p.Ser15Pro)

Genes: MYL2 (myosin light chain 2; minus strand), LOC114827850 (VISTA enhancer hs2149; plus strand). Cytogenetic location: 12q24.11.
Variant type: single nucleotide variant.
Coding change: c.43T>C on transcript NM_000432.4 (MANE Select); coding-DNA position 43, T replaced by C.
Protein change: p.Ser15Pro; replaces serine 15 with proline.
Molecular consequence: missense variant. On other transcripts: 5 prime UTR variant (1).
Genome position (GRCh38, 1-based): chr12:110,919,154, A>G on the plus strand (T>C on the coding strand, the complement: MYL2 is on the minus strand). VCF-style: chr12-110919154-A-G. GRCh37 (hg19) VCF-style: chr12-111356958-A-G.
Other names: c.43T>C, p.Ser15Pro (NM_001406745.1); c.-15T>C (NM_001406916.1); short protein forms S15P.
Identifiers: ClinVar variation 4719350 (VCV004719350.1).

ClinVar aggregate classification (germline): Uncertain significance (1 of 4 stars; one submission).

Conditions:
Hypertrophic cardiomyopathy 10. Also called: CARDIOMYOPATHY, HYPERTROPHIC, MID-LEFT VENTRICULAR CHAMBER TYPE, 2; MYL2-Related Familial Hypertrophic Cardiomyopathy. Identifiers: MedGen C1834460, MONDO:0012112, OMIM 608758.

Submission:

Labcorp Genetics (formerly Invitae), Labcorp
Classification: Uncertain significance for Hypertrophic cardiomyopathy 10. Last evaluated: 2025-05-11. Review status: criteria provided, single submitter. Criteria: Invitae Variant Classification Sherloc (09022015). Collection method: clinical testing. Allele origin: germline.
Comment: This sequence change replaces serine, which is neutral and polar, with proline, which is neutral and non-polar, at codon 15 of the MYL2 protein (p.Ser15Pro). This variant is not present in population databases (gnomAD no frequency). This variant has not been reported in the literature in individuals affected with MYL2-related conditions. An algorithm developed to predict the effect of missense changes on protein structure and function (PolyPhen-2) suggests that this variant is likely to be disruptive. In summary, the available evidence is currently insufficient to determine the role of this variant in disease. Therefore, it has been classified as a Variant of Uncertain Significance.